The following is an entry in ClinVar:

ClinVar aggregate classification (germline): Uncertain significance (1 of 4 stars; one submission).

Conditions:
Idiopathic Pulmonary Fibrosis. Also called: Idiopathic fibrosing alveolitis, chronic form; idiopathic fibrosing alveolitis. Identifiers: Orphanet 2032, MedGen C1800706, MeSH D054990, MONDO:0800504.
Dyskeratosis congenita, autosomal dominant 2. Identifiers: MedGen C3151443, MONDO:0013521, OMIM 613989.

Submission:

Labcorp Genetics (formerly Invitae), Labcorp
Classification: Uncertain significance for Dyskeratosis congenita, autosomal dominant 2; Idiopathic Pulmonary Fibrosis. Last evaluated: 2021-01-13. Review status: criteria provided, single submitter. Criteria: Invitae Variant Classification Sherloc (09022015). Collection method: clinical testing. Allele origin: germline.
Comment: This sequence change replaces serine with alanine at codon 559 of the TERT protein (p.Ser559Ala). The serine residue is moderately conserved and there is a moderate physicochemical difference between serine and alanine. In summary, the available evidence is currently insufficient to determine the role of this variant in disease. Therefore, it has been classified as a Variant of Uncertain Significance. Advanced modeling of protein sequence and biophysical properties (such as structural, functional, and spatial information, amino acid conservation, physicochemical variation, residue mobility, and thermodynamic stability) performed at Invitae indicates that this missense variant is not expected to disrupt TERT protein function. This variant has not been reported in the literature in individuals with TERT-related conditions. This variant is not present in population databases (ExAC no frequency).

NM_198253.3(TERT):c.1675T>G (p.Ser559Ala)

Gene: TERT (telomerase reverse transcriptase; minus strand). Cytogenetic location: 5p15.33.
Variant type: single nucleotide variant.
Coding change: c.1675T>G on transcript NM_198253.3 (MANE Select); coding-DNA position 1675, T replaced by G.
Protein change: p.Ser559Ala; replaces serine 559 with alanine.
Molecular consequence: missense variant. On other transcripts: non-coding transcript variant (2).
Genome position (GRCh38, 1-based): chr5:1,282,523, A>C on the plus strand (T>G on the coding strand, the complement: TERT is on the minus strand). VCF-style: chr5-1282523-A-C. GRCh37 (hg19) VCF-style: chr5-1282638-A-C.
Other names: c.1675T>G, p.Ser559Ala (NM_001193376.3); short protein forms S559A.
Identifiers: ClinVar variation 1403437 (VCV001403437.8), dbSNP rs2126649631, ClinGen allele CA359083115.
Genomic context (GRCh38, chr5:1,282,523, plus strand): 5'-TCTTCCGGTAGAAAAAGAGCCTGTTCTTTTGAAACGTGGTCTCCGTGACATAAAAGAAAG[A>C]CCTGAGCAGCTCGACGACGTACACACTCATCAGCCAGTGCAGGAACTTGGCCAGGATCTC-3'
Protein context (NP_937983.2, residues 549-569): MSVYVVELLR[Ser559Ala]FFYVTETTFQ